The following is an entry in ClinVar:

ClinVar aggregate classification (germline): Conflicting classifications of pathogenicity. Review status: criteria provided, conflicting classifications (1 of 4 stars). 6 submissions from 6 submitters: Pathogenic (2); Uncertain significance (3). 1 of the submissions does not count toward it. Last evaluated 2025-08-30.

Conditions:
CEACAM16-related disorder. Also called: CEACAM16-related condition.
Hearing loss, autosomal recessive 113. Also called: Deafness, autosomal recessive 113. Identifiers: MedGen C5193079, MONDO:0032732, OMIM 618410.
Nonsyndromic genetic hearing loss. Also called: Non-syndromic genetic deafness; Nonsyndromic hearing loss and deafness; Nonsyndromic genetic deafness. Identifiers: Orphanet 87884, MedGen C5680182, MONDO:0019497.

Allele frequency attached by ClinVar (database versions not stated): gnomAD 0.00003 and 0.00004; TOPMed 0.00004; gnomAD exomes 0.00005 and 0.00015; ExAC 0.00011.

Submissions (6):

PreventionGenetics, part of Exact Sciences
Classification: Uncertain significance for CEACAM16-related condition. Last evaluated: 2025-08-30. Review status: criteria provided, single submitter. Criteria: ACMG Guidelines, 2015. Collection method: clinical testing. Allele origin: germline.
Comment: The CEACAM16 c.703C>T variant is predicted to result in the amino acid substitution p.Arg235Cys. This variant was reported in a family of Jewish Iranian ancestry with autosomal recessive hearing loss (HL). Three homozygotes in the family were affected by late onset mild to moderate HL. Out of five heterozygotes in this family, three were unaffected, and out of the two affected one had late onset unilateral HL and one had conductive-mixed HL. Of note, one family member without this variant had late onset unilateral HL (Family DF301, Table 1, Fig S1, Brownstein et al. 2020. PubMed ID: 33111345). Authors noted, that later this variant was observed in additional Jewish Iranian ancestry families with HL, but additional information was not provided. This variant is reported in 0.020% of alleles in individuals of East Asian descent in gnomAD. Although we suspect that this variant may be pathogenic, at this time, the clinical significance of this variant is uncertain due to the absence of conclusive functional and genetic evidence.

Labcorp Genetics (formerly Invitae), Labcorp
Classification: Pathogenic. Last evaluated: 2025-03-17. Review status: criteria provided, single submitter. Criteria: Invitae Variant Classification Sherloc (09022015). Collection method: clinical testing. Allele origin: germline.
Comment: This sequence change replaces arginine, which is basic and polar, with cysteine, which is neutral and slightly polar, at codon 235 of the CEACAM16 protein (p.Arg235Cys). This variant is present in population databases (rs746164064, gnomAD 0.02%). This missense change has been observed in individuals with autosomal recessive deafness (PMID: 33111345). It has also been observed to segregate with disease in related individuals. ClinVar contains an entry for this variant (Variation ID: 236048). An algorithm developed to predict the effect of missense changes on protein structure and function (PolyPhen-2) suggests that this variant is likely to be disruptive. For these reasons, this variant has been classified as Pathogenic.

3billion
Classification: Pathogenic for Hearing loss, autosomal recessive 113. Last evaluated: 2022-09-01. Review status: criteria provided, single submitter. Criteria: ACMG Guidelines, 2015. Collection method: clinical testing. Allele origin: germline. Affected: yes. Observed: 1 heterozygote.
Comment: The variant is observed at an extremely low frequency in the gnomAD v2.1.1 dataset (total allele frequency: 0.014%). Missense changes are a common disease-causing mechanism. It has been previously reported to be associated with CEACAM16-related disorder (ClinVar ID: VCV000236048 / PMID: 33111345 / 3billion dataset). The variant has been observed in multiple (>3) similarly affected unrelated individuals (PMID: 33111345). The variant has been reported to co-segregate with the disease in at least 5 similarly affected relatives/individuals in the same family or similarly affected unrelated family (PMID: 33111345). Therefore, this variant is classified as Pathogenic according to the recommendation of ACMG/AMP guideline.

GeneDx
Classification: Uncertain significance. Last evaluated: 2022-04-18. Review status: criteria provided, single submitter. Criteria: GeneDx Variant Classification Process June 2021. Collection method: clinical testing. Allele origin: germline. Affected: yes.
Comment: In silico analysis supports that this missense variant has a deleterious effect on protein structure/function; This variant is associated with the following publications: (PMID: 33111345, 35118517)

Athena Diagnostics
Classification: Uncertain significance. Last evaluated: 2020-03-26. Review status: criteria provided, single submitter. Criteria: Athena Diagnostics Criteria. Collection method: clinical testing. Allele origin: unknown.

Laboratory of Prof. Karen Avraham, Tel Aviv University
Classification: Pathogenic for Nonsyndromic genetic hearing loss. Last evaluated: 2016-02-16. Review status: no assertion criteria provided. Collection method: research. Allele origin: germline. Affected: yes. Not counted in ClinVar's aggregate classification.
Comment: Teenage onset, mild-moderate HL

This is a novel recessive condition, DFNB, caused by variants in CEACAM16, known previously to be involved in dominant NSHL DFNA4B.

Literature cited by the submitters: PubMed 33111345 (cited by Labcorp Genetics (formerly Invitae), Labcorp and 3billion).

NM_001039213.4(CEACAM16):c.703C>T (p.Arg235Cys)

Genes: CEACAM16 (CEA cell adhesion molecule 16, tectorial membrane component; plus strand), CEACAM16-AS1 (CEACAM16, CEACAM19 and PVR antisense RNA 1; minus strand). Cytogenetic location: 19q13.32.
Variant type: single nucleotide variant.
Coding change: c.703C>T on transcript NM_001039213.4 (MANE Select); coding-DNA position 703, C replaced by T.
Protein change: p.Arg235Cys; replaces arginine 235 with cysteine.
Molecular consequence: missense variant.
Genome position (GRCh38, 1-based): chr19:44,705,631, C>T. VCF-style: chr19-44705631-C-T. GRCh37 (hg19) VCF-style: chr19-45208901-C-T.
Other names: short protein forms R235C.
Identifiers: ClinVar variation 236048 (VCV000236048.11), dbSNP rs746164064, ClinGen allele CA9503130.
Genomic context (GRCh38, chr19:44,705,631, plus strand): 5'-CTCCCTCCTGCCCCCACAGTTGGCCCAGAGCGTGTGGCCATCCTCCAGGATTCCACCACC[C>T]GCACAGGCTGCACCATCAAAGTTGACTTCAACACGTCCCTCACCCTGTGGTGCGTGTCCA-3'
Protein context (NP_001034302.2, residues 225-245): RVAILQDSTT[Arg235Cys]TGCTIKVDFN